The following is an entry in ClinVar:

NM_001384317.1(ZHX3):c.2689A>C (p.Thr897Pro)

Gene: ZHX3 (zinc fingers and homeoboxes 3; minus strand). Cytogenetic location: 20q12.
Variant type: single nucleotide variant.
Coding change: c.2689A>C on transcript NM_001384317.1 (MANE Select); coding-DNA position 2689, A replaced by C.
Protein change: p.Thr897Pro; replaces threonine 897 with proline.
Molecular consequence: missense variant. On other transcripts: intron variant (1).
Genome position (GRCh38, 1-based): chr20:41,202,228, T>G on the plus strand (A>C on the coding strand, the complement: ZHX3 is on the minus strand). VCF-style: chr20-41202228-T-G. GRCh37 (hg19) VCF-style: chr20-39830868-T-G.
Other names: c.2689A>C, p.Thr897Pro (NM_001384315.1, NM_001384316.1, NM_001384318.1 and 7 more transcripts); c.2634+55A>C (NM_001384324.1); short protein forms T897P.
Identifiers: ClinVar variation 3193550 (VCV003193550.3), dbSNP rs775426433, ClinGen allele CA9859752.

ClinVar aggregate classification (germline): Uncertain significance. Review status: criteria provided, multiple submitters, no conflicts (2 of 4 stars). 2 submissions from 2 submitters: Uncertain significance (2). Last evaluated 2024-08-05.

Allele frequency attached by ClinVar (database versions not stated): gnomAD 0.00001; TOPMed 0.00005; gnomAD exomes 0.00006; ExAC 0.00008.
gnomAD v4.1: 35 of 1,613,960 alleles (0.0022%); highest among the groups gnomAD compares: Admixed American, 0.058%; no homozygotes.

Submissions (2):

Labcorp Genetics (formerly Invitae), Labcorp
Classification: Uncertain significance. Last evaluated: 2024-08-05. Review status: criteria provided, single submitter. Criteria: Invitae Variant Classification Sherloc (09022015). Collection method: clinical testing. Allele origin: germline.
Comment: This sequence change replaces threonine, which is neutral and polar, with proline, which is neutral and non-polar, at codon 897 of the ZHX3 protein (p.Thr897Pro). This variant is present in population databases (rs775426433, gnomAD 0.07%), and has an allele count higher than expected for a pathogenic variant. This variant has not been reported in the literature in individuals affected with ZHX3-related conditions. An algorithm developed to predict the effect of missense changes on protein structure and function outputs the following: PolyPhen-2: "Benign". The proline amino acid residue is found in multiple mammalian species, which suggests that this missense change does not adversely affect protein function. In summary, the available evidence is currently insufficient to determine the role of this variant in disease. Therefore, it has been classified as a Variant of Uncertain Significance.

Ambry Genetics
Classification: Uncertain significance. Last evaluated: 2023-12-20. Review status: criteria provided, single submitter. Criteria: Ambry Variant Classification Scheme 2023. Collection method: clinical testing. Allele origin: germline.